The following is an entry in ClinVar:

NM_000093.5(COL5A1):c.4969G>A (p.Asp1657Asn)

Genes: COL5A1 (collagen type V alpha 1 chain; plus strand), LOC101448202 (uncharacterized LOC101448202; minus strand). Cytogenetic location: 9q34.3.
Variant type: single nucleotide variant.
Coding change: c.4969G>A on transcript NM_000093.5 (MANE Select); coding-DNA position 4969, G replaced by A.
Protein change: p.Asp1657Asn; replaces aspartic acid 1657 with asparagine.
Molecular consequence: missense variant.
Genome position (GRCh38, 1-based): chr9:134,825,806, G>A. VCF-style: chr9-134825806-G-A. GRCh37 (hg19) VCF-style: chr9-137717652-G-A.
Other names: c.4969G>A, p.Asp1657Asn (NM_001278074.1); short protein forms D1657N.
Identifiers: ClinVar variation 1697110 (VCV001697110.2), dbSNP rs892181156, ClinGen allele CA201101363.
Genomic context (GRCh38, chr9:134,825,806, plus strand): 5'-AATCCTTCTGACTCTGCCTGCCTCCCTCCCCGTCTCTGAAATCCAGGTGAATACTGGGTC[G>A]ATCCTAACCAAGGATGCTCCAGGGATTCCTTCAAGGTTTACTGCAACTTCACAGCCGGGG-3'
Protein context (NP_000084.3, residues 1647-1667): PDFPDGEYWV[Asp1657Asn]PNQGCSRDSF

ClinVar aggregate classification (germline): Uncertain significance (1 of 4 stars; one submission).

Allele frequency attached by ClinVar (database versions not stated): gnomAD exomes below 0.00001.
gnomAD v4.1: 4 of 1,611,768 alleles (0.00025%); highest among the groups gnomAD compares: East Asian, 0.0022%; no homozygotes.

Submission:

GeneDx
Classification: Uncertain significance. Last evaluated: 2022-01-17. Review status: criteria provided, single submitter. Criteria: GeneDx Variant Classification Process June 2021. Collection method: clinical testing. Allele origin: germline. Affected: yes.
Comment: Has not been reported in association with Ehlers-Danlos syndrome; Not observed at significant frequency in large population cohorts (gnomAD); In silico analysis supports that this missense variant has a deleterious effect on protein structure/function; Not located in the triple helical region, where the majority of pathogenic missense variants occur (Symoens, et al., 2012; Stenson et al., 2014); This variant is associated with the following publications: (PMID: 33281878)